The following is an entry in ClinVar:

NM_178857.6(RP1L1):c.4711A>G (p.Ser1571Gly)

Gene: RP1L1 (RP1 like 1). Cytogenetic location: 8p23.1.
Variant type: single nucleotide variant.
Coding change: c.4711A>G on transcript NM_178857.6 (MANE Select); coding-DNA position 4711, A replaced by G.
Protein change: p.Ser1571Gly; replaces serine 1571 with glycine.
Molecular consequence: missense variant.
Genome position (GRCh38, 1-based): chr8:10,609,387, T>C on the plus strand (A>G on the coding strand, the complement: RP1L1 is on the minus strand). VCF-style: chr8-10609387-T-C. GRCh37 (hg19) VCF-style: chr8-10466897-T-C.
Other names: short protein forms S1571G.
Identifiers: ClinVar variation 4156232 (VCV004156232.3).

ClinVar aggregate classification (germline): Uncertain significance. Review status: criteria provided, multiple submitters, no conflicts (2 of 4 stars). 3 submissions from 3 submitters: Uncertain significance (3). Last evaluated 2026-03-26.

Conditions:
RP1L1-related disorder. Also called: RP1L1-related condition.
Inborn genetic diseases. Identifiers: MedGen C0950123, MeSH D030342.

gnomAD v4.1: 18 of 1,612,418 alleles (0.0011%); highest among the groups gnomAD compares: Admixed American, 0.022%; no homozygotes.

Submissions (3):

PreventionGenetics, part of Exact Sciences
Classification: Uncertain significance for RP1L1-related condition. Last evaluated: 2026-03-26. Review status: criteria provided, single submitter. Criteria: ACMG Guidelines, 2015. Collection method: clinical testing. Allele origin: germline.
Comment: The RP1L1 c.4711A>G variant is predicted to result in the amino acid substitution p.Ser1571Gly. To our knowledge, this variant has not been reported in the literature. This variant is reported in 0.026% of alleles in individuals of Latino descent in gnomAD. At this time, the clinical significance of this variant is uncertain due to the absence of conclusive functional and genetic evidence.

Ambry Genetics
Classification: Uncertain significance for Inborn genetic diseases. Last evaluated: 2025-07-02. Review status: criteria provided, single submitter. Criteria: Ambry Variant Classification Scheme 2023. Collection method: clinical testing. Allele origin: germline.

Blueprint Genetics
Classification: Uncertain significance. Last evaluated: 2022-06-16. Review status: criteria provided, single submitter. Criteria: ACMG Guidelines, 2015. Collection method: clinical testing. Allele origin: germline.